The following is an entry in ClinVar:

ClinVar aggregate classification (germline): Likely pathogenic (1 of 4 stars; one submission).

Conditions:
2-aminoadipic 2-oxoadipic aciduria (AAKAD). Also called: Aminoadipic aciduria; ALPHA-AMINOADIPIC AND ALPHA-KETOADIPIC ACIDURIA. Identifiers: Orphanet 79154, MedGen C1859817, MONDO:0008774, OMIM 204750.

Submission:

First Genomix Gene Laboratory, Genetic Diagnostics Department
Classification: Likely pathogenic for 2-aminoadipic 2-oxoadipic aciduria. Last evaluated: 2025-09-15. Review status: criteria provided, single submitter. Criteria: ACMG Guidelines, 2015. Collection method: clinical testing. Allele origin: germline. Inheritance: Autosomal recessive inheritance. Affected: no. Observed: 1 variant allele.

NM_018706.7(DHTKD1):c.2048-8_2050del

Gene: DHTKD1 (dehydrogenase E1 and transketolase domain containing 1; plus strand). Cytogenetic location: 10p14.
Variant type: Deletion.
Coding change: c.2048-8_2050del on transcript NM_018706.7 (MANE Select); 8 bases into the intron before coding-DNA position 2048 through coding-DNA position 2050, 11 bases deleted (TTTTCCAGGAG).
Molecular consequence: splice acceptor variant.
Genome position (GRCh38, 1-based): chr10:12,107,901-12,107,911, TTTTCCAGGAG deleted. VCF-style (leftmost placement, unchanged base first): chr10-12107900-CTTTTCCAGGAG-C. GRCh37 (hg19) VCF-style: chr10-12149899-CTTTTCCAGGAG-C.
Other names: c.2048-8_2050delTTTTCCAGGAG (NM_018706.7).
Identifiers: ClinVar variation 4850325 (VCV004850325.1).
Genomic context (GRCh38, chr10:12,107,900, plus strand): 5'-GCTGAGTCGTGTCAGGCCACTTTGTCCCCGCTTCGTAGAGCTCTTACTCCCCACGTGGTA[CTTTTCCAGGAG>C]AGGCCAAGTGGCTCCTACAAAGCGGCATCGTCATCCTCCTTCCACATGGCTACGATGGGG-3'